The following is an entry in ClinVar:

NM_002693.3(POLG):c.1712G>C (p.Gly571Ala)

Gene: POLG (DNA polymerase gamma, catalytic subunit; minus strand). Cytogenetic location: 15q26.1.
Variant type: single nucleotide variant.
Coding change: c.1712G>C on transcript NM_002693.3 (MANE Select); coding-DNA position 1712, G replaced by C.
Protein change: p.Gly571Ala; replaces glycine 571 with alanine.
Molecular consequence: missense variant.
Genome position (GRCh38, 1-based): chr15:89,326,612, C>G on the plus strand (G>C on the coding strand, the complement: POLG is on the minus strand). VCF-style: chr15-89326612-C-G. GRCh37 (hg19) VCF-style: chr15-89869843-C-G.
Other names: c.1712G>C, p.Gly571Ala (NM_001126131.2); short protein forms G571A.
Identifiers: ClinVar variation 2135894 (VCV002135894.1), dbSNP rs2509252751, ClinGen allele CA393760417.

ClinVar aggregate classification (germline): Uncertain significance (1 of 4 stars; one submission).

Conditions:
Progressive sclerosing poliodystrophy (MTDPS4A). Also called: Mitochondrial DNA depletion syndrome 4A (Alpers type); Alpers Syndrome; ALPERS DIFFUSE DEGENERATION OF CEREBRAL GRAY MATTER WITH HEPATIC CIRRHOSIS; Alpers-Huttenlocher Syndrome; ALPERS PROGRESSIVE INFANTILE POLIODYSTROPHY; NEURONAL DEGENERATION OF CHILDHOOD WITH LIVER DISEASE, PROGRESSIVE. Identifiers: Orphanet 726, MedGen C0205710, MONDO:0008758, OMIM 203700.

Allele frequency attached by ClinVar (database versions not stated): gnomAD exomes below 0.00001.
gnomAD v4.1: 2 of 1,613,512 alleles (0.00012%); highest among the groups gnomAD compares: Non-Finnish European, 0.00017%; no homozygotes.

Submission:

Labcorp Genetics (formerly Invitae), Labcorp
Classification: Uncertain significance for Progressive sclerosing poliodystrophy. Last evaluated: 2022-05-09. Review status: criteria provided, single submitter. Criteria: Invitae Variant Classification Sherloc (09022015). Collection method: clinical testing. Allele origin: germline.
Comment: This sequence change replaces glycine, which is neutral and non-polar, with alanine, which is neutral and non-polar, at codon 571 of the POLG protein (p.Gly571Ala). This variant also falls at the last nucleotide of exon 9, which is part of the consensus splice site for this exon. This variant is not present in population databases (gnomAD no frequency). This variant has not been reported in the literature in individuals affected with POLG-related conditions. Algorithms developed to predict the effect of missense changes on protein structure and function (SIFT, PolyPhen-2, Align-GVGD) all suggest that this variant is likely to be tolerated. Variants that disrupt the consensus splice site are a relatively common cause of aberrant splicing (PMID: 17576681, 9536098). In summary, the available evidence is currently insufficient to determine the role of this variant in disease. Therefore, it has been classified as a Variant of Uncertain Significance.

Literature cited by the submitters: PubMed 17576681; PubMed 9536098.